The following is an entry in ClinVar:

ClinVar aggregate classification (germline): Conflicting classifications of pathogenicity. Review status: criteria provided, conflicting classifications (1 of 4 stars). 3 submissions from 3 submitters: Likely pathogenic (2); Uncertain significance (1). Last evaluated 2025-05-19.

Conditions:
Biotin-responsive basal ganglia disease (BTBGD). Also called: thiamine-responsive encephalopathy; THIAMINE METABOLISM DYSFUNCTION SYNDROME 2 (BIOTIN- AND THIAMINE-RESPONSIVE TYPE); Thiamine metabolism dysfunction syndrome 2 (biotin- or thiamine-responsive encephalopathy type 2); Thiamine Transporter-2 Deficiency; Thiamine metabolism dysfunction syndrome type 2. Identifiers: Orphanet 199348, Orphanet 65284, MedGen C1843807, MONDO:0011841, OMIM 607483.

Allele frequency attached by ClinVar (database versions not stated): gnomAD exomes below 0.00001 and 0.00001; gnomAD 0.00001; TOPMed 0.00001.
gnomAD v4.1: 18 of 1,614,010 alleles (0.0011%); highest among the groups gnomAD compares: Non-Finnish European, 0.0014%; no homozygotes.

Submissions (3):

Victorian Clinical Genetics Services, Murdoch Childrens Research Institute
Classification: Likely pathogenic for Biotin-responsive basal ganglia disease. Last evaluated: 2025-05-19. Review status: criteria provided, single submitter. Criteria: ACMG Guidelines, 2015. Collection method: clinical testing. Allele origin: germline. Affected: yes.
Comment: This variant is classified as Likely pathogenic. Evidence in support of pathogenic classification: Variant is present in gnomAD <0.01 for a recessive condition (v4: 18 heterozygote(s), 0 homozygote(s)); Missense variant predicted to be damaging by in silico tool(s) or highly conserved with a major amino acid change; Heterozygous variant detected in trans with a second PATHOGENIC heterozygous variant (whole SLC19A3 gene deletion) in a recessive disease. Additional information: Variant is predicted to result in a missense amino acid change from aspartic acid to asparagine; This variant is hemizygous; This gene is associated with autosomal recessive disease; Previous reports of pathogenicity for this variant are conflicting. This variant has been classified as a VUS and as likely pathogenic by clinical laboratories in ClinVar, and has been reported in the literature in an individual with epilepsy (Saneto (2017)); No published segregation evidence has been identified for this variant; No published functional evidence has been identified for this variant; No comparable missense variants have previous evidence for pathogenicity; Variant is located in the annotated reduced folate carrier domain (DECIPHER); Loss of function is a known mechanism of disease in this gene and is associated with thiamine metabolism dysfunction syndrome 2 (biotin/thiamine-responsive basal ganglia disease type) (MIM#607483).

Labcorp Genetics (formerly Invitae), Labcorp
Classification: Uncertain significance for Biotin-responsive basal ganglia disease. Last evaluated: 2022-06-01. Review status: criteria provided, single submitter. Criteria: Invitae Variant Classification Sherloc (09022015). Collection method: clinical testing. Allele origin: germline.
Comment: In summary, the available evidence is currently insufficient to determine the role of this variant in disease. Therefore, it has been classified as a Variant of Uncertain Significance. Advanced modeling of protein sequence and biophysical properties (such as structural, functional, and spatial information, amino acid conservation, physicochemical variation, residue mobility, and thermodynamic stability) performed at Invitae indicates that this missense variant is expected to disrupt SLC19A3 protein function. ClinVar contains an entry for this variant (Variation ID: 427014). This variant has not been reported in the literature in individuals affected with SLC19A3-related conditions. This variant is present in population databases (no rsID available, gnomAD 0.0009%). This sequence change replaces aspartic acid, which is acidic and polar, with asparagine, which is neutral and polar, at codon 75 of the SLC19A3 protein (p.Asp75Asn).

GeneDx
Classification: Likely pathogenic. Last evaluated: 2018-03-02. Review status: criteria provided, single submitter. Criteria: GeneDx Variant Classification (06012015). Collection method: clinical testing. Allele origin: germline. Affected: yes.
Comment: The D75N variant in the SLC19A3 gene has not been reported previously as a pathogenic variant, nor as a benign variant, to our knowledge. This variant is not observed at a significant frequency in large population cohorts (Lek et al., 2016). The D75N variant is a semi-conservative amino acid substitution, which may impact secondary protein structure as these residues differ in some properties. In-silico analyses, including protein predictors and evolutionary conservation, support a deleterious effect. We interpret D75N as a likely pathogenic variant.

NM_025243.4(SLC19A3):c.223G>A (p.Asp75Asn)

Gene: SLC19A3 (solute carrier family 19 member 3; minus strand). Cytogenetic location: 2q36.3.
Variant type: single nucleotide variant.
Coding change: c.223G>A on transcript NM_025243.4 (MANE Select); coding-DNA position 223, G replaced by A.
Protein change: p.Asp75Asn; replaces aspartic acid 75 with asparagine.
Molecular consequence: missense variant.
Genome position (GRCh38, 1-based): chr2:227,699,492, C>T on the plus strand (G>A on the coding strand, the complement: SLC19A3 is on the minus strand). VCF-style: chr2-227699492-C-T. GRCh37 (hg19) VCF-style: chr2-228564208-C-T.
Other names: short protein forms D75N.
Identifiers: ClinVar variation 427014 (VCV000427014.15), dbSNP rs980641322, ClinGen allele CA66660892.